The following is an entry in ClinVar:

NM_001184880.2(PCDH19):c.98_102del (p.Gln33fs)

Gene: PCDH19 (protocadherin 19; minus strand). Cytogenetic location: Xq22.1.
Variant type: Deletion.
Coding change: c.98_102del on transcript NM_001184880.2 (MANE Select); coding-DNA positions 98 to 102, 5 bases deleted (AGCGC; older notation c.98_102delAGCGC).
Protein change: p.Gln33fs; shifts the reading frame from glutamine 33.
Molecular consequence: frameshift variant.
Genome position (GRCh38, 1-based): chrX:100,408,496-100,408,500, GCGCT deleted on the plus strand (AGCGC on the coding strand, the reverse complement: PCDH19 is on the minus strand); deleting any 5 consecutive bases within chrX:100,408,496-100,408,502 gives the same sequence; the c. name uses the placement nearest the transcript's 3' end. VCF-style (leftmost placement, unchanged base first): chrX-100408495-CGCGCT-C. GRCh37 (hg19) VCF-style: chrX-99663493-CGCGCT-C.
Other names: c.98_102del, p.Gln33fs (NM_001105243.2, NM_020766.3); c.98_102delAGCGC (NM_001184880.1); short protein forms Q33fs.
Identifiers: ClinVar variation 2758493 (VCV002758493.4), dbSNP rs2520998607, ClinGen allele CA2697544635.
Genomic context (GRCh38, chrX:100,408,495, plus strand): 5'-GGTCCAGCGCGAAGCCCGCCTCTCGCGCGTCTTTGGCCACGTTGGCAATCACCGTCCCGG[CGCGCT>C]GCTCCTCTTCTACCGAGTACTTGAGATTAATGAGGGCGGCAGCCTGCGTCCACAGTATGG-3'

ClinVar aggregate classification (germline): Pathogenic. Review status: criteria provided, multiple submitters, no conflicts (2 of 4 stars). 2 submissions from 2 submitters: Pathogenic (2). Last evaluated 2025-01-15.

Conditions:
Developmental and epileptic encephalopathy, 9 (DEE9). Also called: Early infantile epileptic encephalopathy 9; JUBERG-HELLMAN SYNDROME; EPILEPSY, FEMALE-RESTRICTED, WITH MENTAL RETARDATION; PCDH19-Related X-Linked Female-Limited Epilepsy with Mental Retardation. Identifiers: Orphanet 101039, Orphanet 2076, MedGen C1848137, MONDO:0010246, OMIM 300088. Disease mechanism: loss of function.
Inborn genetic diseases. Identifiers: MedGen C0950123, MeSH D030342.

Submissions (2):

Ambry Genetics
Classification: Pathogenic for Inborn genetic diseases. Last evaluated: 2025-01-15. Review status: criteria provided, single submitter. Criteria: Ambry Variant Classification Scheme 2023. Collection method: clinical testing. Allele origin: germline.
Comment: The c.98_102delAGCGC (p.Q33Rfs*54) alteration, located in exon 1 (coding exon 1) of the PCDH19 gene, consists of a deletion of 5 nucleotides from position 98 to 102, causing a translational frameshift with a predicted alternate stop codon after 54 amino acids. This alteration is expected to result in loss of function by premature protein truncation or nonsense-mediated mRNA decay. This variant was not reported in population-based cohorts in the Genome Aggregation Database (gnomAD). Based on the available evidence, this alteration is classified as pathogenic.

Labcorp Genetics (formerly Invitae), Labcorp
Classification: Pathogenic for Developmental and epileptic encephalopathy, 9. Last evaluated: 2023-09-06. Review status: criteria provided, single submitter. Criteria: Invitae Variant Classification Sherloc (09022015). Collection method: clinical testing. Allele origin: germline.
Comment: This sequence change creates a premature translational stop signal (p.Gln33Argfs*54) in the PCDH19 gene. It is expected to result in an absent or disrupted protein product. Loss-of-function variants in PCDH19 are known to be pathogenic (PMID: 21053371). This variant is not present in population databases (gnomAD no frequency). This variant has not been reported in the literature in individuals affected with PCDH19-related conditions. For these reasons, this variant has been classified as Pathogenic.

Literature cited by the submitters: PubMed 21053371 (cited by Labcorp Genetics (formerly Invitae), Labcorp).